The following is an entry in ClinVar:

ClinVar aggregate classification (germline): Likely benign. Review status: criteria provided, single submitter (1 of 4 stars). 2 submissions from 2 submitters: Likely benign (1). 1 of the submissions does not count toward it. Last evaluated 2025-12-23.

Conditions:
Fanconi anemia (FA). Also called: Fanconi's anemia. Identifiers: Orphanet 84, MedGen C0015625, MeSH D005199, MONDO:0019391.

Allele frequency attached by ClinVar (database versions not stated): gnomAD exomes 0.00001 and 0.00006; TOPMed 0.00001; ExAC 0.00002; gnomAD 0.00002 and 0.00003.
gnomAD v4.1: 84 of 1,586,606 alleles (0.0053%); highest among the groups gnomAD compares: Middle Eastern, 0.017%; no homozygotes.

Submissions (2):

Labcorp Genetics (formerly Invitae), Labcorp
Classification: Likely benign for Fanconi anemia. Last evaluated: 2025-12-23. Review status: criteria provided, single submitter. Criteria: Invitae Variant Classification Sherloc (09022015). Collection method: clinical testing. Allele origin: germline.

Leiden Open Variation Database
Classification: Likely benign. Last evaluated: 2012-08-31. Review status: no assertion criteria provided. Collection method: curation. Allele origin: germline. Affected: yes. Not counted in ClinVar's aggregate classification.
Comment: Curator: Arleen D. Auerbach. Submitter to LOVD: Janine Bakker.

Literature cited by the submitters: PubMed 22911665 (cited by Leiden Open Variation Database).

NM_032444.4(SLX4):c.4272C>T (p.Asp1424=)

Gene: SLX4 (SLX4 structure-specific endonuclease subunit; minus strand). Cytogenetic location: 16p13.3.
Variant type: single nucleotide variant.
Coding change: c.4272C>T on transcript NM_032444.4 (MANE Select); coding-DNA position 4272, C replaced by T.
Protein change: p.Asp1424=; no amino-acid change (aspartic acid 1424 retained).
Molecular consequence: synonymous variant.
Genome position (GRCh38, 1-based): chr16:3,589,366, G>A on the plus strand (C>T on the coding strand, the complement: SLX4 is on the minus strand). VCF-style: chr16-3589366-G-A. GRCh37 (hg19) VCF-style: chr16-3639367-G-A.
Identifiers: ClinVar variation 929606 (VCV000929606.8), dbSNP rs771297945, ClinGen allele CA7865698.
Genomic context (GRCh38, chr16:3,589,366, plus strand): 5'-CTCCAGGTTCCAGTGGTCAATGGGAATTGGCGAGAGGGGCTCCATGTGCCAGCAGCAGTC[G>A]TCAATTGGAATTGGGGGGTCACTGTCCAGTGGGGGGCTTCTGTTGGCCTGATGGGAGGCC-3'
Protein context (NP_115820.2, residues 1414-1434): PLDSDPPIPI[Asp1424=]DCCWHMEPLS